The following is an entry in ClinVar:

NM_000051.4(ATM):c.8940dup (p.His2981fs)

Genes: ATM (ATM serine/threonine kinase; plus strand), C11orf65 (chromosome 11 open reading frame 65; minus strand). Cytogenetic location: 11q22.3.
Variant type: Duplication.
Coding change: c.8940dup on transcript NM_000051.4 (MANE Select); coding-DNA position 8940, one base duplicated (T; older notation c.8940dupT).
Protein change: p.His2981fs; shifts the reading frame from histidine 2981.
Molecular consequence: frameshift variant. On other transcripts: intron variant (2).
Genome position (GRCh38, 1-based): chr11:108,365,171, T duplicated; the last of 2 consecutive T bases (chr11:108,365,170-108,365,171); duplicating either gives the same sequence. VCF-style (leftmost placement, unchanged base first): chr11-108365169-C-CT. GRCh37 (hg19) VCF-style: chr11-108235896-C-CT.
Other names: c.8940dup, p.His2981fs (NM_001351834.2); c.640+20750dup (NM_001330368.2); c.694+20750dup (NM_001351110.2); short protein forms H2981fs.
Identifiers: ClinVar variation 3148565 (VCV003148565.1), dbSNP rs2547677183, ClinGen allele CA2825001991.
Genomic context (GRCh38, chr11:108,365,169, plus strand): 5'-TGGACCATGAATCCTTTGAAAGCTTTGTATTTACAGCAGAGGCCGGAAGATGAAACTGAG[C>CT]TTCACCCTACTCTGAATGCAGATGACCAAGAATGCAAACGAAATCTCAGGTGAGCAGTAT-3'

ClinVar aggregate classification (germline): Pathogenic (1 of 4 stars; one submission).

Conditions:
Familial cancer of breast. Also called: hereditary breast carcinoma; BREAST CANCER, FAMILIAL; Hereditary breast cancer. Identifiers: Orphanet 227535, MedGen C0346153, MONDO:0016419, OMIM 114480. Disease mechanism: loss of function.

Submission:

Myriad Genetics, Inc.
Classification: Pathogenic for Familial cancer of breast. Last evaluated: 2024-02-06. Review status: criteria provided, single submitter. Criteria: Myriad Autosomal Dominant, Autosomal Recessive and X-Linked Classification Criteria (2023). Collection method: clinical testing. Allele origin: unknown.
Comment: This variant is considered pathogenic. This variant creates a frameshift predicted to result in premature protein truncation.